The following is an entry in ClinVar:

ClinVar aggregate classification (germline): Likely pathogenic (1 of 4 stars; one submission).

Conditions:
Hyperinsulinemic hypoglycemia, familial, 1 (HHF1). Also called: HYPERINSULINISM, FAMILIAL, WITH PANCREATIC NESIDIOBLASTOSIS; HYPOGLYCEMIA, HYPERINSULINEMIC, OF INFANCY; NESIDIOBLASTOSIS OF PANCREAS; Persistent hyperinsulinemic hypoglycemia of infancy; Persistent Hyperinsulinemia Hypoglycemia of Infancy. Identifiers: Orphanet 276575, Orphanet 276598, MedGen C2931832, MONDO:0009734, OMIM 256450.

Submission:

Myriad Genetics, Inc.
Classification: Likely pathogenic for Hyperinsulinemic hypoglycemia, familial, 1. Last evaluated: 2022-02-15. Review status: criteria provided, single submitter. Criteria: Myriad Women's Health Autosomal Recessive and X-Linked Classification Criteria (2021). Collection method: clinical testing. Allele origin: unknown.
Comment: NM_000352.3(ABCC8):c.3351dupT(G1118Wfs*10) is expected to be pathogenic in the context of familial hyperinsulinism, ABCC8-related. This variant is predicted to lead to an abnormal or absent protein product due to the creation of a premature termination codon in ABCC8, a gene where loss-of-function variants are known to be pathogenic. Please note: this variant was assessed in the context of healthy population screening.

NM_000352.6(ABCC8):c.3351dup (p.Gly1118fs)

Gene: ABCC8 (ATP binding cassette subfamily C member 8; minus strand). Cytogenetic location: 11p15.1.
Variant type: Duplication.
Coding change: c.3351dup on transcript NM_000352.6 (MANE Select); coding-DNA position 3351, one base duplicated (T; older notation c.3351dupT).
Protein change: p.Gly1118fs; shifts the reading frame from glycine 1118.
Molecular consequence: frameshift variant. On other transcripts: non-coding transcript variant (1).
Genome position (GRCh38, 1-based): chr11:17,405,542, A duplicated on the plus strand (T on the coding strand, the reverse complement: ABCC8 is on the minus strand); the first of 2 consecutive A bases (chr11:17,405,542-17,405,543); duplicating either gives the same sequence. VCF-style (leftmost placement, unchanged base first): chr11-17405541-C-CA. GRCh37 (hg19) VCF-style: chr11-17427088-C-CA.
Other names: c.3354dup, p.Gly1119fs (NM_001287174.3); c.3417dup, p.Gly1140fs (NM_001351295.2); c.3351dup, p.Gly1118fs (NM_001351296.2); c.3348dup, p.Gly1117fs (NM_001351297.2); short protein forms G1117fs, G1118fs, G1119fs, G1140fs.
Identifiers: ClinVar variation 1724421 (VCV001724421.2), dbSNP rs2496519550, ClinGen allele CA2580082810.